The following is an entry in ClinVar:

NM_000133.4(F9):c.1233T>G (p.Ser411Arg)

Gene: F9 (coagulation factor IX; plus strand). Cytogenetic location: Xq27.1.
Variant type: single nucleotide variant.
Coding change: c.1233T>G on transcript NM_000133.4 (MANE Select); coding-DNA position 1233, T replaced by G.
Protein change: p.Ser411Arg; replaces serine 411 with arginine.
Molecular consequence: missense variant.
Genome position (GRCh38, 1-based): chrX:139,561,918, T>G. VCF-style: chrX-139561918-T-G. GRCh37 (hg19) VCF-style: chrX-138644077-T-G.
Other names: c.1119T>G, p.Ser373Arg (NM_001313913.2); short protein forms S373R, S411R.
Identifiers: ClinVar variation 4817508 (VCV004817508.1).
Genomic context (GRCh38, chrX:139,561,918, plus strand): 5'-TAACAACATGTTCTGTGCTGGCTTCCATGAAGGAGGTAGAGATTCATGTCAAGGAGATAG[T>G]GGGGGACCCCATGTTACTGAAGTGGAAGGGACCAGTTTCTTAACTGGAATTATTAGCTGG-3'
Protein context (NP_000124.1, residues 401-421): EGGRDSCQGD[Ser411Arg]GGPHVTEVEG

ClinVar aggregate classification (germline): Pathogenic (1 of 4 stars; one submission).

Conditions:
Hereditary factor IX deficiency disease (HEMB). Also called: F9 DEFICIENCY; FACTOR IX DEFICIENCY; PLASMA THROMBOPLASTIN COMPONENT DEFICIENCY; Hemophilia B; Christmas Disease. Identifiers: Orphanet 98879, MedGen C0008533, MeSH D002836, MONDO:0010604, OMIM 306900.

Submission:

Natera, Inc.
Classification: Pathogenic for Hemophilia B. Last evaluated: 2025-09-27. Review status: criteria provided, single submitter. Criteria: Natera Variant Classification Schema (03/2026). Collection method: clinical testing. Allele origin: germline.
Comment: The c.1233T>G variant in F9 is a missense variant predicted to cause substitution of serine to arginine at amino acid 411. This variant is rare in the general population with a frequency below the threshold expected for the associated phenotype(s). This variant has been observed in affected individual(s) with monoallelic occurrence (heterozygous/hemizygous) (PMID: 34689141, 34590426). This variant is located in a functionally critical region of the protein. Another variant at this same site results in an alteration predicted to cause a similar molecular effect has been observed in individual(s) with the associated phenotype. A different variant at the same position has been determined to be Pathogenic or Likely Pathogenic. Computational prediction algorithms indicate this variant is likely to affect gene or protein function. Given the available evidence, this variant is classified as Pathogenic.

Literature cited by the submitters: PubMed 34689141; PubMed 34590426.